The following is an entry in ClinVar:

NM_000432.4(MYL2):c.163G>T (p.Ala55Ser)

Gene: MYL2 (myosin light chain 2; minus strand). Cytogenetic location: 12q24.11.
Variant type: single nucleotide variant.
Coding change: c.163G>T on transcript NM_000432.4 (MANE Select); coding-DNA position 163, G replaced by T.
Protein change: p.Ala55Ser; replaces alanine 55 with serine.
Molecular consequence: missense variant.
Genome position (GRCh38, 1-based): chr12:110,915,721, C>A on the plus strand (G>T on the coding strand, the complement: MYL2 is on the minus strand). VCF-style: chr12-110915721-C-A. GRCh37 (hg19) VCF-style: chr12-111353525-C-A.
Other names: short protein forms A55S.
Identifiers: ClinVar variation 177958 (VCV000177958.16), dbSNP rs727504425, ClinGen allele CA009898.

ClinVar aggregate classification (germline): Conflicting classifications of pathogenicity. Review status: criteria provided, conflicting classifications (1 of 4 stars). 6 submissions from 6 submitters: Likely pathogenic (1); Uncertain significance (4); Likely benign (1). Last evaluated 2025-09-22.

Conditions:
Cardiovascular phenotype. Identifiers: MedGen CN230736.
Hypertrophic cardiomyopathy 10. Also called: CARDIOMYOPATHY, HYPERTROPHIC, MID-LEFT VENTRICULAR CHAMBER TYPE, 2; MYL2-Related Familial Hypertrophic Cardiomyopathy. Identifiers: MedGen C1834460, MONDO:0012112, OMIM 608758.
Hypertrophic cardiomyopathy. Also called: HYPERTROPHIC MYOCARDIOPATHY. Identifiers: Orphanet 217569, MedGen C0007194, MeSH D002312, MONDO:0005045, HP:0001639.

Allele frequency attached by ClinVar (database versions not stated): gnomAD 0.00001 and 0.00002; TOPMed 0.00004.
gnomAD v4.1: 3 of 1,613,962 alleles (0.00019%); highest among the groups gnomAD compares: African/African-American, 0.0027%; no homozygotes.

Submissions (6):

Labcorp Genetics (formerly Invitae), Labcorp
Classification: Uncertain significance for Hypertrophic cardiomyopathy 10. Last evaluated: 2025-09-22. Review status: criteria provided, single submitter. Criteria: Invitae Variant Classification Sherloc (09022015). Collection method: clinical testing. Allele origin: germline.
Comment: This sequence change replaces alanine, which is neutral and non-polar, with serine, which is neutral and polar, at codon 55 of the MYL2 protein (p.Ala55Ser). This variant is not present in population databases (gnomAD no frequency). This missense change has been observed in individual(s) with hypertrophic cardiomyopathy (PMID: 27532257, 37652022). ClinVar contains an entry for this variant (Variation ID: 177958). An algorithm developed to predict the effect of missense changes on protein structure and function (PolyPhen-2) suggests that this variant is likely to be disruptive. In summary, the available evidence is currently insufficient to determine the role of this variant in disease. Therefore, it has been classified as a Variant of Uncertain Significance.

Molecular Diagnostic Laboratory for Inherited Cardiovascular Disease, Montreal Heart Institute
Classification: Uncertain significance for Cardiovascular phenotype. Last evaluated: 2025-04-09. Review status: criteria provided, single submitter. Criteria: ACMG Guidelines, 2015. Collection method: clinical testing. Allele origin: germline. Affected: yes.

Ambry Genetics
Classification: Likely benign for Cardiovascular phenotype. Last evaluated: 2024-02-22. Review status: criteria provided, single submitter. Criteria: Ambry Variant Classification Scheme 2023. Collection method: clinical testing. Allele origin: germline.

All of Us Research Program, National Institutes of Health
Classification: Uncertain significance for Hypertrophic cardiomyopathy. Last evaluated: 2023-05-04. Review status: criteria provided, single submitter. Criteria: ACMG Guidelines, 2015. Collection method: clinical testing. Allele origin: germline. Inheritance: Autosomal dominant inheritance. Observed: 2 variant alleles, 2 heterozygotes.
Comment: This missense variant replaces alanine with serine at codon 55 of the MYL2 protein. Computational prediction suggests that this variant may not impact protein structure and function (internally defined REVEL score threshold <= 0.5, PMID: 27666373). To our knowledge, functional studies have not been reported for this variant. This variant has been reported in an individual affected with hypertrophic cardiomyopathy (PMID: 27532257). This variant has not been identified in the general population by the Genome Aggregation Database (gnomAD). The available evidence is insufficient to determine the role of this variant in disease conclusively. Therefore, this variant is classified as a Variant of Uncertain Significance.

This study involves interpretation of variants in research participants for the purpose of population health screening. Participant phenotype was not available at the time of variant classification. Additional details can be found in publication PMID: 35346344, PMCID: PMC8962531

Laboratory for Molecular Medicine, Mass General Brigham Personalized Medicine
Classification: Uncertain significance for Hypertrophic cardiomyopathy. Last evaluated: 2019-04-05. Review status: criteria provided, single submitter. Criteria: ACMG Guidelines, 2015. Collection method: clinical testing. Allele origin: germline.
Comment: Disclaimer: This variant has not undergone full assessment. The following are preliminary notes: Not reported in affected people. Seen in one person with HCM at the LMM. Not in Gnomad. Clinvar: LP (GeneDx - 2015).

GeneDx
Classification: Likely pathogenic. Last evaluated: 2015-04-01. Review status: criteria provided, single submitter. Criteria: GeneDx Variant Classification (06012015). Collection method: clinical testing. Allele origin: germline. Affected: yes.
Comment: The A55S variant has not been published as a pathogenic variant, nor has it been reported as a benign polymorphism to our knowledge. The A55S variant was not observed in approximately 6500 individuals of European and African American ancestry in the NHLBI Exome Sequencing Project, indicating it is not a common benign variant in these populations. The A55S variant is a non-conservative amino acid substitution, which is likely to impact secondary protein structure as these residues differ in polarity, charge, size and/or other properties. This substitution occurs at a position that is conserved across species. Additionally, missense variants in nearby residues (N47K, G57E, R58N) have been reported in the Human Gene Mutation Database in association with HCM (Stenson et al., 2014), supporting the functional importance of this region of the protein. Nevertheless, in silico analysis is inconsistent in its predictions as to whether or not the variant is damaging to the protein structure/function.Therefore, this variant is a strong candidate for a pathogenic variant, however the possibility that it is a benign variant cannot be excluded.

Literature cited by the submitters: PubMed 27532257 (cited by 3 submitters); PubMed 37652022 (cited by Labcorp Genetics (formerly Invitae), Labcorp); PubMed 22958901 (cited by Ambry Genetics).